The following is an entry in ClinVar:

ClinVar aggregate classification (germline): Uncertain significance. Review status: criteria provided, multiple submitters, no conflicts (2 of 4 stars). 2 submissions from 2 submitters: Uncertain significance (2). Last evaluated 2025-10-18.

Conditions:
Inborn genetic diseases. Identifiers: MedGen C0950123, MeSH D030342.
Hereditary spastic paraplegia 11. Also called: Spastic paraplegia, mental retardation and thin corpus callosum; Nakamura Osame syndrome; Autosomal recessive hereditary spastic paraplegia, mental impairment, and thin corpus callosum; SPASTIC PARAPLEGIA, AUTOSOMAL RECESSIVE, COMPLICATED, WITH THIN CORPUS CALLOSUM; SPASTIC PARAPLEGIA, AUTOSOMAL RECESSIVE, WITH MENTAL IMPAIRMENT AND THIN CORPUS CALLOSUM; Spastic Paraplegia 11. Identifiers: Orphanet 2822, MedGen C1858479, MONDO:0011445, OMIM 604360.

Allele frequency attached by ClinVar (database versions not stated): gnomAD exomes below 0.00001; gnomAD 0.00001; TOPMed 0.00001.
gnomAD v4.1: 2 of 1,613,188 alleles (0.00012%); highest among the groups gnomAD compares: Non-Finnish European, 0.00017%; no homozygotes.

Submissions (2):

Ambry Genetics
Classification: Uncertain significance for Inborn genetic diseases. Last evaluated: 2025-10-18. Review status: criteria provided, single submitter. Criteria: Ambry Variant Classification Scheme 2023. Collection method: clinical testing. Allele origin: germline.

Labcorp Genetics (formerly Invitae), Labcorp
Classification: Uncertain significance for Hereditary spastic paraplegia 11. Last evaluated: 2022-07-19. Review status: criteria provided, single submitter. Criteria: Invitae Variant Classification Sherloc (09022015). Collection method: clinical testing. Allele origin: germline.
Comment: This sequence change replaces histidine, which is basic and polar, with glutamine, which is neutral and polar, at codon 2388 of the SPG11 protein (p.His2388Gln). This variant is present in population databases (no rsID available, gnomAD 0.007%). This variant has not been reported in the literature in individuals affected with SPG11-related conditions. ClinVar contains an entry for this variant (Variation ID: 836177). Algorithms developed to predict the effect of missense changes on protein structure and function output the following: SIFT: "Deleterious"; PolyPhen-2: "Possibly Damaging"; Align-GVGD: "Class C0". The glutamine amino acid residue is found in multiple mammalian species, which suggests that this missense change does not adversely affect protein function. In summary, the available evidence is currently insufficient to determine the role of this variant in disease. Therefore, it has been classified as a Variant of Uncertain Significance.

NM_025137.4(SPG11):c.7164T>A (p.His2388Gln)

Gene: SPG11 (SPG11 vesicle trafficking associated, spatacsin; minus strand). Cytogenetic location: 15q21.1.
Variant type: single nucleotide variant.
Coding change: c.7164T>A on transcript NM_025137.4 (MANE Select); coding-DNA position 7164, T replaced by A.
Protein change: p.His2388Gln; replaces histidine 2388 with glutamine.
Molecular consequence: missense variant.
Genome position (GRCh38, 1-based): chr15:44,563,289, A>T on the plus strand (T>A on the coding strand, the complement: SPG11 is on the minus strand). VCF-style: chr15-44563289-A-T. GRCh37 (hg19) VCF-style: chr15-44855487-A-T.
Other names: c.6825T>A, p.His2275Gln (NM_001160227.2); short protein forms H2275Q, H2388Q.
Identifiers: ClinVar variation 836177 (VCV000836177.8), dbSNP rs1406897126, ClinGen allele CA392211838.